The following is an entry in ClinVar:

NM_001037333.3(CYFIP2):c.2489A>G (p.Asn830Ser)

Gene: CYFIP2 (cytoplasmic FMR1 interacting protein 2; plus strand). Cytogenetic location: 5q33.3.
Variant type: single nucleotide variant.
Coding change: c.2489A>G on transcript NM_001037333.3 (MANE Select); coding-DNA position 2489, A replaced by G.
Protein change: p.Asn830Ser; replaces asparagine 830 with serine.
Molecular consequence: missense variant.
Genome position (GRCh38, 1-based): chr5:157,339,160, A>G. VCF-style: chr5-157339160-A-G. GRCh37 (hg19) VCF-style: chr5-156766168-A-G.
Other names: c.2411A>G, p.Asn804Ser (NM_001291721.2); c.2564A>G, p.Asn855Ser (NM_001291722.2); c.2489A>G, p.Asn830Ser (NM_014376.4); c.2489A>G (NM_001037333.1); short protein forms N855S, N830S, N804S.
Identifiers: ClinVar variation 1435277 (VCV001435277.7), dbSNP rs1278354936, ClinGen allele CA361972176.

ClinVar aggregate classification (germline): Uncertain significance. Review status: criteria provided, multiple submitters, no conflicts (2 of 4 stars). 2 submissions from 2 submitters: Uncertain significance (2). Last evaluated 2024-02-16.

Conditions:
Inborn genetic diseases. Identifiers: MedGen C0950123, MeSH D030342.

Allele frequency attached by ClinVar (database versions not stated): gnomAD exomes below 0.00001; TOPMed below 0.00001.
gnomAD v4.1: 1 of 1,614,012 alleles (0.000062%); highest among the groups gnomAD compares: Admixed American, 0.0017%; no homozygotes.

Submissions (2):

Labcorp Genetics (formerly Invitae), Labcorp
Classification: Uncertain significance. Last evaluated: 2024-02-16. Review status: criteria provided, single submitter. Criteria: Invitae Variant Classification Sherloc (09022015). Collection method: clinical testing. Allele origin: germline.
Comment: This sequence change replaces asparagine, which is neutral and polar, with serine, which is neutral and polar, at codon 830 of the CYFIP2 protein (p.Asn830Ser). This variant is present in population databases (no rsID available, gnomAD 0.003%). This variant has not been reported in the literature in individuals affected with CYFIP2-related conditions. ClinVar contains an entry for this variant (Variation ID: 1435277). Experimental studies and prediction algorithms are not available or were not evaluated, and the functional significance of this variant is currently unknown. In summary, the available evidence is currently insufficient to determine the role of this variant in disease. Therefore, it has been classified as a Variant of Uncertain Significance.

Ambry Genetics
Classification: Uncertain significance for Inborn genetic diseases. Last evaluated: 2024-01-12. Review status: criteria provided, single submitter. Criteria: Ambry Variant Classification Scheme 2023. Collection method: clinical testing. Allele origin: germline.